The following is an entry in ClinVar:

ClinVar aggregate classification (germline): Uncertain significance (1 of 4 stars; one submission).

Conditions:
Hypertrophic cardiomyopathy 1 (CMH1). Also called: Familial hypertrophic cardiomyopathy 1; MYH7-Related Familial Hypertrophic Cardiomyopathy. Identifiers: MedGen C3495498, MONDO:0008647, OMIM 192600.

Submission:

Labcorp Genetics (formerly Invitae), Labcorp
Classification: Uncertain significance for Hypertrophic cardiomyopathy 1. Last evaluated: 2024-03-17. Review status: criteria provided, single submitter. Criteria: Invitae Variant Classification Sherloc (09022015). Collection method: clinical testing. Allele origin: germline.
Comment: This sequence change creates a premature translational stop signal (p.Asp323Glyfs*8) in the MYLK2 gene. It is expected to result in an absent or disrupted protein product. However, the current clinical and genetic evidence is not sufficient to establish whether loss-of-function variants in MYLK2 cause disease. This variant is not present in population databases (gnomAD no frequency). This variant has not been reported in the literature in individuals affected with MYLK2-related conditions. In summary, the available evidence is currently insufficient to determine the role of this variant in disease. Therefore, it has been classified as a Variant of Uncertain Significance.

NM_033118.4(MYLK2):c.968_972del (p.Asp323fs)

Gene: MYLK2 (myosin light chain kinase 2; plus strand). Cytogenetic location: 20q11.21.
Variant type: Deletion.
Coding change: c.968_972del on transcript NM_033118.4 (MANE Select); coding-DNA positions 968 to 972, 5 bases deleted (ACAAG; older notation c.968_972delACAAG).
Protein change: p.Asp323fs; shifts the reading frame from aspartic acid 323.
Molecular consequence: frameshift variant.
Genome position (GRCh38, 1-based): chr20:31,824,348-31,824,352, ACAAG deleted; deleting any 5 consecutive bases within chr20:31,824,345-31,824,352 gives the same sequence; the c. name uses the placement nearest the transcript's 3' end. VCF-style (leftmost placement, unchanged base first): chr20-31824344-AAAGAC-A. GRCh37 (hg19) VCF-style: chr20-30412147-AAAGAC-A.
Other names: short protein forms D323fs.
Identifiers: ClinVar variation 3699393 (VCV003699393.2).